The following is an entry in ClinVar:

NM_001032386.2(SUOX):c.1312_1313del (p.Val438fs)

Gene: SUOX (sulfite oxidase; plus strand). Cytogenetic location: 12q13.2.
Variant type: Deletion.
Coding change: c.1312_1313del on transcript NM_001032386.2 (MANE Select); coding-DNA positions 1312 to 1313, 2 bases deleted (GT; older notation c.1312_1313delGT).
Protein change: p.Val438fs; shifts the reading frame from valine 438.
Molecular consequence: frameshift variant.
Genome position (GRCh38, 1-based): chr12:56,004,701-56,004,702, GT deleted; deleting any 2 consecutive bases within chr12:56,004,700-56,004,702 gives the same sequence; the c. name uses the placement nearest the transcript's 3' end. VCF-style (leftmost placement, unchanged base first): chr12-56004699-CTG-C. GRCh37 (hg19) VCF-style: chr12-56398483-CTG-C.
Other names: c.1312_1313del, p.Val438fs (NM_001032387.2, NM_000456.3); short protein forms V438fs.
Identifiers: ClinVar variation 1420277 (VCV001420277.9), dbSNP rs2136513040, ClinGen allele CA2573148931.

ClinVar aggregate classification (germline): Pathogenic (1 of 4 stars; one submission).

Conditions:
Sulfite oxidase deficiency. Also called: Isolated sulfite oxidase deficiency. Identifiers: Orphanet 833, Orphanet 99731, MedGen C0268624, MONDO:0010089, OMIM 272300, HP:0003643.

Submission:

Labcorp Genetics (formerly Invitae), Labcorp
Classification: Pathogenic for Sulfite oxidase deficiency. Last evaluated: 2022-10-28. Review status: criteria provided, single submitter. Criteria: Invitae Variant Classification Sherloc (09022015). Collection method: clinical testing. Allele origin: germline.
Comment: For these reasons, this variant has been classified as Pathogenic. This variant disrupts a region of the SUOX protein in which other variant(s) (p.Arg529*) have been determined to be pathogenic (PMID: 17940249, 28980090). This suggests that this is a clinically significant region of the protein, and that variants that disrupt it are likely to be disease-causing. ClinVar contains an entry for this variant (Variation ID: 1420277). This variant has not been reported in the literature in individuals affected with SUOX-related conditions. This variant is not present in population databases (gnomAD no frequency). This sequence change creates a premature translational stop signal (p.Val438Argfs*36) in the SUOX gene. While this is not anticipated to result in nonsense mediated decay, it is expected to disrupt the last 108 amino acid(s) of the SUOX protein.

Literature cited by the submitters: PubMed 17940249; PubMed 28980090.